The following is an entry in ClinVar:

NM_001291415.2(KDM6A):c.2885A>C (p.Asn962Thr)

Gene: KDM6A (lysine demethylase 6A; plus strand). Cytogenetic location: Xp11.3.
Variant type: single nucleotide variant.
Coding change: c.2885A>C on transcript NM_001291415.2 (MANE Select); coding-DNA position 2885, A replaced by C.
Protein change: p.Asn962Thr; replaces asparagine 962 with threonine.
Molecular consequence: missense variant. On other transcripts: non-coding transcript variant (1).
Genome position (GRCh38, 1-based): chrX:45,076,723, A>C. VCF-style: chrX-45076723-A-C. GRCh37 (hg19) VCF-style: chrX-44935968-A-C.
Other names: c.2492A>C, p.Asn831Thr (NM_001291418.2, NM_001419815.1); c.1841A>C, p.Asn614Thr (NM_001291421.2); c.2627A>C, p.Asn876Thr (NM_001410742.1, NM_001419814.1); c.2885A>C, p.Asn962Thr (NM_001419809.1); c.2783A>C, p.Asn928Thr (NM_001419810.1, NM_001419813.1); c.2750A>C, p.Asn917Thr (NM_001419811.1, NM_001291416.2); c.2729A>C, p.Asn910Thr (NM_001419812.1, NM_021140.4); c.2594A>C, p.Asn865Thr (NM_001291417.2); short protein forms N614T, N831T, N865T, N876T, N910T, N917T, N928T, N962T.
Identifiers: ClinVar variation 3342440 (VCV003342440.4).

ClinVar aggregate classification (germline): Uncertain significance. Review status: criteria provided, multiple submitters, no conflicts (2 of 4 stars). 3 submissions from 3 submitters: Uncertain significance (3). Last evaluated 2026-06-25.

Conditions:
Kabuki syndrome 2 (KABUK2). Also called: KDM6A-Related Kabuki Syndrome. Identifiers: Orphanet 2322, MedGen C3275495, MONDO:0010465, OMIM 300867.

Submissions (3):

Victorian Clinical Genetics Services, Murdoch Childrens Research Institute
Classification: Uncertain significance for Kabuki syndrome 2. Last evaluated: 2026-06-25. Review status: criteria provided, single submitter. Criteria: ACMG Guidelines, 2015. Collection method: clinical testing. Allele origin: germline. Affected: yes.
Comment: This variant is classified as VUS-3B. Evidence in support of pathogenic classification: Variant is absent from gnomAD (v2, v3 and v4). Additional information: Variant is predicted to result in a missense amino acid change from Asn to Thr; This variant is hemizygous; This gene is associated with X-linked dominant disease; Previous evidence of pathogenicity for this variant is inconclusive. This variant has been classified as a VUS by two clinical laboratories in ClinVar. In one individual, this variant was inherited from an unaffected mother and a likely pathogenic variant in BMP2 was also identified (personal communication); No published evidence of segregation with disease has been identified for this variant; No published functional evidence has been identified for this variant; Another missense variant comparable to the one identified in this case has inconclusive previous evidence for pathogenicity. The p.(Asn962Ser) variant has been reported in the literature in a hemizygous state in an individual with features suggestive of Kabuki syndrome.The variant was shown to be inherited from an unaffected mother (PMID: 27302555); Variant is not located in an established domain, motif, hotspot or informative constraint region; Missense variant with inconclusive in silico prediction and/or uninformative conservation; Loss of function is a known mechanism of disease in this gene and is associated with Kabuki syndrome 2 (MIM#300867); Variants in this gene are known to have variable expressivity (OMIM). - Inheritance information for this variant is not currently available in this individual.

Labcorp Genetics (formerly Invitae), Labcorp
Classification: Uncertain significance for Kabuki syndrome 2. Last evaluated: 2025-08-03. Review status: criteria provided, single submitter. Criteria: Invitae Variant Classification Sherloc (09022015). Collection method: clinical testing. Allele origin: germline.
Comment: This sequence change replaces asparagine, which is neutral and polar, with threonine, which is neutral and polar, at codon 910 of the KDM6A protein (p.Asn910Thr). This variant is not present in population databases (gnomAD no frequency). This variant has not been reported in the literature in individuals affected with KDM6A-related conditions. ClinVar contains an entry for this variant (Variation ID: 3342440). Invitae Evidence Modeling of protein sequence and biophysical properties (such as structural, functional, and spatial information, amino acid conservation, physicochemical variation, residue mobility, and thermodynamic stability) indicates that this missense variant is not expected to disrupt KDM6A protein function with a negative predictive value of 80%. In summary, the available evidence is currently insufficient to determine the role of this variant in disease. Therefore, it has been classified as a Variant of Uncertain Significance.

GeneDx
Classification: Uncertain significance. Last evaluated: 2023-06-01. Review status: criteria provided, single submitter. Criteria: GeneDx Variant Classification Process June 2021. Collection method: clinical testing. Allele origin: germline. Affected: yes.
Comment: Not observed at significant frequency in large population cohorts (gnomAD); In silico analysis supports that this missense variant has a deleterious effect on protein structure/function; Has not been previously published as pathogenic or benign to our knowledge

Literature cited by the submitters: PubMed 27302555 (cited by Victorian Clinical Genetics Services, Murdoch Childrens Research Institute).